The following is an entry in ClinVar:

NM_014249.4(NR2E3):c.923C>T (p.Ser308Phe)

Gene: NR2E3 (nuclear receptor subfamily 2 group E member 3; plus strand). Cytogenetic location: 15q23.
Variant type: single nucleotide variant.
Coding change: c.923C>T on transcript NM_014249.4 (MANE Select); coding-DNA position 923, C replaced by T.
Protein change: p.Ser308Phe; replaces serine 308 with phenylalanine.
Molecular consequence: missense variant.
Genome position (GRCh38, 1-based): chr15:71,813,564, C>T. VCF-style: chr15-71813564-C-T. GRCh37 (hg19) VCF-style: chr15-72105904-C-T.
Other names: c.923C>T, p.Ser308Phe (NM_016346.4); short protein forms S308F.
Identifiers: ClinVar variation 5003757 (VCV005003757.1).

ClinVar aggregate classification (germline): Uncertain significance (1 of 4 stars; one submission).

Conditions:
ENHANCED S-CONE SYNDROME 1 (ESCS1). Also called: RETINOSCHISIS WITH EARLY HEMERALOPIA; FAVRE HYALOIDEORETINAL DEGENERATION. Identifiers: MedGen CN380299, OMIM 268100.

Submission:

Myriad Genetics, Inc.
Classification: Uncertain significance for ENHANCED S-CONE SYNDROME 1. Last evaluated: 2025-08-18. Review status: criteria provided, single submitter. Criteria: Myriad Autosomal Dominant, Autosomal Recessive and X-Linked Classification Criteria (2023). Collection method: clinical testing. Allele origin: unknown.
Comment: NM_014249.2(NR2E3):c.923C>T(S308F) is a missense variant classified as a variant of uncertain significance in the context of enhanced S-cone syndrome. S308F has not been observed in cases with relevant disease. Relevant functional assessments of this variant are not available in the literature. S308F has not been observed in referenced population frequency databases. In summary, there is insufficient evidence to classify NM_014249.2(NR2E3):c.923C>T(S308F) as pathogenic or benign. Please note: this variant was assessed in the context of healthy population screening.